The following is an entry in ClinVar:

ClinVar aggregate classification (germline): Pathogenic/Likely pathogenic. Review status: criteria provided, multiple submitters, no conflicts (2 of 4 stars). 6 submissions from 6 submitters: Pathogenic (3); Likely pathogenic (2). 1 of the submissions does not count toward it. Last evaluated 2025-10-26.

Conditions:
HNRNPDL-related myopathy with protein aggregates and rimmed vacuoles.
Autosomal dominant limb-girdle muscular dystrophy type 1G (LGMDD3). Also called: MUSCULAR DYSTROPHY, LIMB-GIRDLE, AUTOSOMAL DOMINANT 3; Limb-girdle muscular dystrophy, type 1G. Identifiers: Orphanet 55596, MedGen C1836765, MONDO:0012193, OMIM 609115.

Submissions (6):

Labcorp Genetics (formerly Invitae), Labcorp
Classification: Pathogenic for Autosomal dominant limb-girdle muscular dystrophy type 1G. Last evaluated: 2025-10-26. Review status: criteria provided, single submitter. Criteria: Invitae Variant Classification Sherloc (09022015). Collection method: clinical testing. Allele origin: germline.
Comment: This sequence change replaces aspartic acid, which is acidic and polar, with histidine, which is basic and polar, at codon 378 of the HNRNPDL protein (p.Asp378His). This variant is not present in population databases (gnomAD no frequency). This missense change has been observed in individual(s) with autosomal dominant limb-girdle muscular dystrophy (PMID: 24647604). It has also been observed to segregate with disease in related individuals. ClinVar contains an entry for this variant (Variation ID: 144074). An algorithm developed to predict the effect of missense changes on protein structure and function (PolyPhen-2) suggests that this variant is likely to be disruptive. For these reasons, this variant has been classified as Pathogenic.

Institute of Human Genetics, University of Leipzig Medical Center
Classification: Likely pathogenic for Autosomal dominant limb-girdle muscular dystrophy type 1G. Last evaluated: 2025-10-20. Review status: criteria provided, single submitter. Criteria: ACMG Guidelines, 2015. Collection method: clinical testing. Allele origin: unknown. Inheritance: Autosomal dominant inheritance. Affected: yes.
Comment: Criteria applied: PS4_MOD,PM2,PM5,PP3

Muscle and Diseases Team, Institut de Génétique et Biologie Moléculaire et Cellulaire
Classification: Pathogenic for HNRNPDL-related myopathy with protein aggregates and rimmed vacuoles. Last evaluated: 2024-03-01. Review status: criteria provided, single submitter. Criteria: ACMG Guidelines, 2015. Collection method: research. Allele origin: germline. Affected: yes. Observed: 1 variant allele.
Comment: PS1+PM1+PM2+PP3+PP4+PP5

GeneDx
Classification: Likely pathogenic. Last evaluated: 2023-06-15. Review status: criteria provided, single submitter. Criteria: GeneDx Variant Classification Process June 2021. Collection method: clinical testing. Allele origin: germline. Affected: yes.
Comment: In silico analysis supports that this missense variant does not alter protein structure/function; Not observed at significant frequency in large population cohorts (gnomAD); This variant is associated with the following publications: (PMID: 32407983, 31267206, 24647604, 31995753, 30279180, 32904822)

Revvity Omics, Revvity
Classification: Pathogenic for Autosomal dominant limb-girdle muscular dystrophy type 1G. Last evaluated: 2022-06-09. Review status: criteria provided, single submitter. Criteria: ACMG Guidelines, 2015. Collection method: clinical testing. Allele origin: germline.

OMIM
Classification: Pathogenic for MUSCULAR DYSTROPHY, LIMB-GIRDLE, AUTOSOMAL DOMINANT 3. Last evaluated: 2014-08-01. Review status: no assertion criteria provided. Collection method: literature only. Allele origin: germline. Not counted in ClinVar's aggregate classification.

Literature cited by the submitters: PubMed 24647604 (cited by Labcorp Genetics (formerly Invitae), Labcorp and OMIM); DOI 10.1186/s13073-024-01353-0 (cited by Muscle and Diseases Team, Institut de Génétique et Biologie Moléculaire et Cellulaire); PubMed 31267206 (cited by Muscle and Diseases Team, Institut de Génétique et Biologie Moléculaire et Cellulaire).

NM_031372.4(HNRNPDL):c.1132G>C (p.Asp378His)

Gene: HNRNPDL (heterogeneous nuclear ribonucleoprotein D like; minus strand). Cytogenetic location: 4q21.22.
Variant type: single nucleotide variant.
Coding change: c.1132G>C on transcript NM_031372.4 (MANE Select); coding-DNA position 1132, G replaced by C.
Protein change: p.Asp378His; replaces aspartic acid 378 with histidine.
Molecular consequence: missense variant. On other transcripts: non-coding transcript variant (1), intron variant (1).
Genome position (GRCh38, 1-based): chr4:82,426,523, C>G on the plus strand (G>C on the coding strand, the complement: HNRNPDL is on the minus strand). VCF-style: chr4-82426523-C-G. GRCh37 (hg19) VCF-style: chr4-83347676-C-G.
Other names: c.1022-394G>C (NM_001207000.1); short protein forms D378H.
Identifiers: ClinVar variation 144074 (VCV000144074.15), dbSNP rs587777669, ClinGen allele CA170634.
Genomic context (GRCh38, chr4:82,426,523, plus strand): 5'-CACTGTAGTCTGCATATCCCTGTCCATATCCATAGTTCCCATAGTTATACCCAGTATAAT[C>G]ATATCCGCCATAGCCACTATAGTTTTGATCACCACCATAGGCACTATTGTAATTTCCATA-3'
Protein context (NP_112740.1, residues 368-388): DQNYSGYGGY[Asp378His]YTGYNYGNYG